The following is an entry in ClinVar:

ClinVar aggregate classification (germline): Uncertain significance (1 of 4 stars; one submission).

Conditions:
Immunodeficiency, common variable, 2 (CVID2). Also called: HYPOGAMMAGLOBULINEMIA DUE TO TACI DEFICIENCY; ANTIBODY DEFICIENCY DUE TO TACI DEFECT. Identifiers: Orphanet 1572, MedGen C3150354, MONDO:0009413, OMIM 240500.

Allele frequency attached by ClinVar (database versions not stated): TOPMed 0.00002.

Submission:

Labcorp Genetics (formerly Invitae), Labcorp
Classification: Uncertain significance for Immunodeficiency, common variable, 2. Last evaluated: 2025-09-01. Review status: criteria provided, single submitter. Criteria: Invitae Variant Classification Sherloc (09022015). Collection method: clinical testing. Allele origin: germline.
Comment: This sequence change affects the initiator codon of the TNFRSF13B mRNA. This change may impact translation initiation or efficiency. The next in-frame methionine is located at codon 31. This variant is present in population databases (rs772864862, gnomAD 0.02%). This variant has not been reported in the literature in individuals affected with TNFRSF13B-related conditions. ClinVar contains an entry for this variant (Variation ID: 1462253). Experimental studies and prediction algorithms are not available or were not evaluated, and the functional significance of this variant is currently unknown. In summary, the available evidence is currently insufficient to determine the role of this variant in disease. Therefore, it has been classified as a Variant of Uncertain Significance.

NM_012452.3(TNFRSF13B):c.3G>T (p.Met1Ile)

Gene: TNFRSF13B (TNF receptor superfamily member 13B; minus strand). Cytogenetic location: 17p11.2.
Variant type: single nucleotide variant.
Coding change: c.3G>T on transcript NM_012452.3 (MANE Select); coding-DNA position 3, G replaced by T.
Protein change: p.Met1Ile; changes the start codon (methionine 1).
Molecular consequence: missense variant, initiator codon variant.
Genome position (GRCh38, 1-based): chr17:16,972,073, C>A on the plus strand (G>T on the coding strand, the complement: TNFRSF13B is on the minus strand). VCF-style: chr17-16972073-C-A. GRCh37 (hg19) VCF-style: chr17-16875387-C-A.
Other names: short protein forms M1I.
Identifiers: ClinVar variation 1462253 (VCV001462253.7), dbSNP rs772864862, ClinGen allele CA8414175.